The following is an entry in ClinVar:

ClinVar aggregate classification (germline): Uncertain significance (1 of 4 stars; one submission).

gnomAD v4.1: 3 of 1,555,210 alleles (0.00019%); highest among the groups gnomAD compares: Non-Finnish European, 0.00026%; no homozygotes.

Submission:

GeneDx
Classification: Uncertain significance. Last evaluated: 2024-10-31. Review status: criteria provided, single submitter. Criteria: GeneDx Variant Classification Process June 2021. Collection method: clinical testing. Allele origin: germline. Affected: yes.
Comment: Not observed at significant frequency in large population cohorts (gnomAD); In silico analysis supports that this missense variant has a deleterious effect on protein structure/function; Has not been previously published as pathogenic or benign to our knowledge

NM_024496.4(IRF2BPL):c.2383G>A (p.Asp795Asn)

Gene: IRF2BPL (interferon regulatory factor 2 binding protein like; minus strand). Cytogenetic location: 14q24.3.
Variant type: single nucleotide variant.
Coding change: c.2383G>A on transcript NM_024496.4 (MANE Select); coding-DNA position 2383, G replaced by A.
Protein change: p.Asp795Asn; replaces aspartic acid 795 with asparagine.
Molecular consequence: missense variant.
Genome position (GRCh38, 1-based): chr14:77,025,410, C>T on the plus strand (G>A on the coding strand, the complement: IRF2BPL is on the minus strand). VCF-style: chr14-77025410-C-T. GRCh37 (hg19) VCF-style: chr14-77491753-C-T.
Other names: short protein forms D795N.
Identifiers: ClinVar variation 3897494 (VCV003897494.1).